The following is an entry in ClinVar:

NM_004312.3(ARR3):c.824del (p.Leu275fs)

Gene: ARR3 (arrestin 3; plus strand). Cytogenetic location: Xq13.1.
Variant type: Deletion.
Coding change: c.824del on transcript NM_004312.3 (MANE Select); coding-DNA position 824, one base deleted (T; older notation c.824delT).
Protein change: p.Leu275fs; shifts the reading frame from leucine 275.
Molecular consequence: frameshift variant.
Genome position (GRCh38, 1-based): chrX:70,278,560, T deleted. VCF-style (leftmost placement, unchanged base first): chrX-70278559-CT-C. GRCh37 (hg19) VCF-style: chrX-69498409-CT-C.
Other names: short protein forms L275fs.
Identifiers: ClinVar variation 4839366 (VCV004839366.1).

ClinVar aggregate classification (germline): Pathogenic (1 of 4 stars; one submission).

Conditions:
Inborn genetic diseases. Identifiers: MedGen C0950123, MeSH D030342.

Submission:

Ambry Genetics
Classification: Pathogenic for Inborn genetic diseases. Last evaluated: 2026-02-09. Review status: criteria provided, single submitter. Criteria: Ambry Variant Classification Scheme 2023. Collection method: clinical testing. Allele origin: germline.
Comment: The c.824delT (p.L275Rfs*50) alteration, located in exon 12 (coding exon 11) of the ARR3 gene, consists of a deletion of one nucleotide at position 824, causing a translational frameshift with a predicted alternate stop codon after 50 amino acids. This variant is expected to result in loss of function by premature protein truncation or nonsense-mediated mRNA decay. This variant was not reported in population-based cohorts in the Genome Aggregation Database (gnomAD). Based on the available evidence, this alteration is classified as pathogenic.